The following is an entry in ClinVar:

ClinVar aggregate classification (germline): Pathogenic/Likely pathogenic. Review status: criteria provided, multiple submitters, no conflicts (2 of 4 stars). 2 submissions from 2 submitters: Pathogenic (1); Likely pathogenic (1). Last evaluated 2024-08-11.

Conditions:
Charcot-Marie-Tooth disease type 4K. Also called: CHARCOT-MARIE-TOOTH DISEASE, DEMYELINATING, TYPE 4K; CHARCOT-MARIE-TOOTH DISEASE, DEMYELINATING, AUTOSOMAL RECESSIVE, TYPE 4K; CHARCOT-MARIE-TOOTH NEUROPATHY, DEMYELINATING, AUTOSOMAL RECESSIVE, TYPE 4K. Identifiers: Orphanet 391351, MedGen C4225246, MONDO:0014733, OMIM 616684.
Mitochondrial complex IV deficiency, nuclear type 1 (MC4DN1). Also called: Mitochondrial complex IV deficiency; Complex 4 mitochondrial respiratory chain deficiency; Deficiency of mitochondrial respiratory chain complex4; Complex IV deficiency; COX DEFICIENCY. Identifiers: MedGen C5435656, MONDO:0700250, OMIM 220110. Disease mechanism: loss of function.
Leigh syndrome (NULS). Also called: LEIGH SYNDROME, NUCLEAR; Leigh Disease; Subacute necrotizing encephalopathy; Necrotizing encephalopathy infantile subacute of Leigh; Leigh's syndrome; Leigh's necrotizing encephalopathy. Identifiers: Orphanet 506, MedGen C2931891, MONDO:0009723, OMIM 256000.

Submissions (2):

Labcorp Genetics (formerly Invitae), Labcorp
Classification: Pathogenic for Leigh syndrome. Last evaluated: 2024-08-11. Review status: criteria provided, single submitter. Criteria: Invitae Variant Classification Sherloc (09022015). Collection method: clinical testing. Allele origin: germline.
Comment: This sequence change creates a premature translational stop signal (p.Leu67Profs*19) in the SURF1 gene. It is expected to result in an absent or disrupted protein product. Loss-of-function variants in SURF1 are known to be pathogenic (PMID: 10443880, 22488715, 24027061). This variant is not present in population databases (gnomAD no frequency). This variant has not been reported in the literature in individuals affected with SURF1-related conditions. For these reasons, this variant has been classified as Pathogenic.

Fulgent Genetics
Classification: Likely pathogenic for Mitochondrial complex IV deficiency, nuclear type 1; Charcot-Marie-Tooth disease type 4K. Last evaluated: 2024-06-15. Review status: criteria provided, single submitter. Criteria: ACMG Guidelines, 2015. Collection method: clinical testing. Allele origin: germline.

Literature cited by the submitters: PubMed 10443880 (cited by Labcorp Genetics (formerly Invitae), Labcorp); PubMed 22488715 (cited by Labcorp Genetics (formerly Invitae), Labcorp); PubMed 24027061 (cited by Labcorp Genetics (formerly Invitae), Labcorp).

NM_003172.4(SURF1):c.159_199dup (p.Leu67fs)

Gene: SURF1 (SURF1 cytochrome c oxidase assembly factor; minus strand). Cytogenetic location: 9q34.2.
Variant type: Duplication.
Coding change: c.159_199dup on transcript NM_003172.4 (MANE Select); coding-DNA positions 159 to 199, 41 bases duplicated.
Protein change: p.Leu67fs; shifts the reading frame from leucine 67.
Molecular consequence: frameshift variant. On other transcripts: 5 prime UTR variant (1).
Genome position (GRCh38, 1-based): chr9:133,354,865-133,354,905, 41 bases duplicated; duplicating any 41 consecutive bases within chr9:133,354,865-133,354,909 gives the same sequence; the c. name uses the placement nearest the transcript's 3' end. GRCh37 (hg19): chr9:136,221,724-136,221,764.
Other names: c.-169_-129dup (NM_001280787.1); short protein forms L67fs.
Identifiers: ClinVar variation 2762239 (VCV002762239.4), dbSNP rs2490623379, ClinGen allele CA1129732742.